The following is an entry in ClinVar:

ClinVar aggregate classification (germline): Likely benign. Review status: criteria provided, multiple submitters, no conflicts (2 of 4 stars). 2 submissions from 2 submitters: Likely benign (2). Last evaluated 2026-01-20.

Conditions:
Congenital muscular dystrophy due to integrin alpha-7 deficiency. Also called: MYOPATHY, CONGENITAL, DUE TO INTEGRIN ALPHA-7 DEFICIENCY; Congenital muscular dystrophy with integrin alpha-7 deficiency; Muscular dystrophy, congenital, due to ITGA7 deficiency. Identifiers: Orphanet 34520, MedGen C2750786, MONDO:0013177, OMIM 613204.

Allele frequency attached by ClinVar (database versions not stated): ESP Exome Variant Server 0.00008; ExAC 0.00010; gnomAD exomes 0.00011 and 0.00018; gnomAD 0.00023 and 0.00024; TOPMed 0.00034.

Submissions (2):

Labcorp Genetics (formerly Invitae), Labcorp
Classification: Likely benign for Congenital muscular dystrophy due to integrin alpha-7 deficiency. Last evaluated: 2026-01-20. Review status: criteria provided, single submitter. Criteria: Invitae Variant Classification Sherloc (09022015). Collection method: clinical testing. Allele origin: germline.

GeneDx
Classification: Likely benign. Last evaluated: 2016-03-07. Review status: criteria provided, single submitter. Criteria: GeneDx Variant Classification (06012015). Collection method: clinical testing. Allele origin: germline. Affected: yes.
Comment: This variant is considered likely benign or benign based on one or more of the following criteria: it is a conservative change, it occurs at a poorly conserved position in the protein, it is predicted to be benign by multiple in silico algorithms, and/or has population frequency not consistent with disease.

NM_002206.3(ITGA7):c.609C>T (p.Ala203=)

Gene: ITGA7 (integrin subunit alpha 7; minus strand). Cytogenetic location: 12q13.2.
Variant type: single nucleotide variant.
Coding change: c.609C>T on transcript NM_002206.3 (MANE Select); coding-DNA position 609, C replaced by T.
Protein change: p.Ala203=; no amino-acid change (alanine 203 retained).
Molecular consequence: synonymous variant. On other transcripts: 5 prime UTR variant (1).
Genome position (GRCh38, 1-based): chr12:55,700,960, G>A on the plus strand (C>T on the coding strand, the complement: ITGA7 is on the minus strand). VCF-style: chr12-55700960-G-A. GRCh37 (hg19) VCF-style: chr12-56094744-G-A.
Other names: c.609C>T, p.Ala203= (NM_001144996.2, NM_001374465.1, NM_001410977.1 and 5 more transcripts); c.318C>T, p.Ala106= (NM_001144997.2); c.270C>T, p.Ala90= (NM_001367993.1, NM_001414035.1); c.-564C>T (NM_001367994.1); c.426C>T, p.Ala142= (NM_001414033.1).
Identifiers: ClinVar variation 383696 (VCV000383696.14), dbSNP rs140554289, ClinGen allele CA6616276.